The following is an entry in ClinVar:

NM_001286.5(CLCN6):c.457G>A (p.Val153Met)

Gene: CLCN6 (chloride voltage-gated channel 6; plus strand). Cytogenetic location: 1p36.22.
Variant type: single nucleotide variant.
Coding change: c.457G>A on transcript NM_001286.5 (MANE Select); coding-DNA position 457, G replaced by A.
Protein change: p.Val153Met; replaces valine 153 with methionine.
Molecular consequence: missense variant. On other transcripts: non-coding transcript variant (1).
Genome position (GRCh38, 1-based): chr1:11,823,710, G>A. VCF-style: chr1-11823710-G-A. GRCh37 (hg19) VCF-style: chr1-11883767-G-A.
Other names: c.391G>A, p.Val131Met (NM_001256959.2); short protein forms V153M, V131M.
Identifiers: ClinVar variation 2825130 (VCV002825130.3), dbSNP rs2523104876, ClinGen allele CA338427787.
Genomic context (GRCh38, chr1:11,823,710, plus strand): 5'-GTAAGCCAGAGAACCAATGGATTTCGAGTTATGGGTGTGCCTGCTCTCCTCCATCAGCCG[G>A]TGGCAGCAGGTTCCGGGATACCCGAGGTCAAATGCTATCTGAATGGCGTAAAGGTGCCAG-3'
Protein context (NP_001277.2, residues 143-163): LASLLVLIEP[Val153Met]AAGSGIPEVK

ClinVar aggregate classification (germline): Uncertain significance (1 of 4 stars; one submission).

Submission:

Labcorp Genetics (formerly Invitae), Labcorp
Classification: Uncertain significance. Last evaluated: 2022-12-30. Review status: criteria provided, single submitter. Criteria: Invitae Variant Classification Sherloc (09022015). Collection method: clinical testing. Allele origin: germline.
Comment: This sequence change replaces valine, which is neutral and non-polar, with methionine, which is neutral and non-polar, at codon 153 of the CLCN6 protein (p.Val153Met). This variant is not present in population databases (gnomAD no frequency). This variant has not been reported in the literature in individuals affected with CLCN6-related conditions. Algorithms developed to predict the effect of missense changes on protein structure and function are either unavailable or do not agree on the potential impact of this missense change (SIFT: "Tolerated"; PolyPhen-2: "Possibly Damaging"; Align-GVGD: "Class C0"). In summary, the available evidence is currently insufficient to determine the role of this variant in disease. Therefore, it has been classified as a Variant of Uncertain Significance.